The following is an entry in ClinVar:

ClinVar aggregate classification (germline): Likely benign. Review status: criteria provided, multiple submitters, no conflicts (2 of 4 stars). 5 submissions from 5 submitters: Likely benign (4). 1 of the submissions does not count toward it. Last evaluated 2026-06-05.

Conditions:
CEP164-related disorder. Also called: CEP164-related condition.
Nephronophthisis 15 (NPHP15). Identifiers: Orphanet 3156, MedGen C3541853, MONDO:0013917, OMIM 614845.

Allele frequency attached by ClinVar (database versions not stated): gnomAD exomes 0.00004 and 0.00006; ExAC 0.00008; ESP Exome Variant Server 0.00015; gnomAD 0.00025 and 0.00026; TOPMed 0.00026.
gnomAD v4.1: 117 of 1,614,066 alleles (0.0072%); highest among the groups gnomAD compares: African/African-American, 0.11%; 1 homozygote.

Submissions (5):

Women's Health and Genetics/Laboratory Corporation of America, LabCorp
Classification: Likely benign. Last evaluated: 2026-06-05. Review status: criteria provided, single submitter. Criteria: LabCorp Variant Classification Summary - May 2015. Collection method: clinical testing. Allele origin: germline.

Labcorp Genetics (formerly Invitae), Labcorp
Classification: Likely benign for Nephronophthisis 15. Last evaluated: 2025-12-14. Review status: criteria provided, single submitter. Criteria: Invitae Variant Classification Sherloc (09022015). Collection method: clinical testing. Allele origin: germline.

Fulgent Genetics
Classification: Likely benign for Nephronophthisis 15. Last evaluated: 2021-11-11. Review status: criteria provided, single submitter. Criteria: ACMG Guidelines, 2015. Collection method: clinical testing. Allele origin: unknown.

Blueprint Genetics
Classification: Likely benign. Last evaluated: 2020-01-14. Review status: criteria provided, single submitter. Criteria: ACMG Guidelines, 2015. Collection method: clinical testing. Allele origin: germline.

PreventionGenetics, part of Exact Sciences
Classification: Likely benign for CEP164-related condition. Last evaluated: 2021-07-09. Review status: no assertion criteria provided. Collection method: clinical testing. Allele origin: germline. Not counted in ClinVar's aggregate classification.
Comment: This variant is classified as likely benign based on ACMG/AMP sequence variant interpretation guidelines (Richards et al. 2015 PMID: 25741868, with internal and published modifications).

NM_014956.5(CEP164):c.3610-4A>G

Gene: CEP164 (centrosomal protein 164; plus strand). Cytogenetic location: 11q23.3.
Variant type: single nucleotide variant.
Coding change: c.3610-4A>G on transcript NM_014956.5 (MANE Select); 4 bases into the intron before coding-DNA position 3610, A replaced by G.
Molecular consequence: intron variant.
Genome position (GRCh38, 1-based): chr11:117,408,886, A>G. VCF-style: chr11-117408886-A-G. GRCh37 (hg19) VCF-style: chr11-117279602-A-G.
Other names: c.3619-4A>G (NM_001271933.2).
Identifiers: ClinVar variation 720078 (VCV000720078.14), dbSNP rs111915712, ClinGen allele CA6295521.